The following is an entry in ClinVar:

NM_001379403.1(WDR26):c.351_353dup (p.Gly125_Gln126insGly)

Gene: WDR26 (WD repeat domain 26; minus strand). Cytogenetic location: 1q42.12.
Variant type: Duplication.
Coding change: c.351_353dup on transcript NM_001379403.1 (MANE Select); coding-DNA positions 351 to 353, 3 bases duplicated (TGG; older notation c.351_353dupTGG).
Protein change: p.Gly125_Gln126insGly.
Molecular consequence: inframe insertion.
Genome position (GRCh38, 1-based): chr1:224,434,053-224,434,055, CCA duplicated on the plus strand (TGG on the coding strand, the reverse complement: WDR26 is on the minus strand); duplicating any 3 consecutive bases within chr1:224,434,053-224,434,057 gives the same sequence; the c. name uses the placement nearest the transcript's 3' end. VCF-style (leftmost placement, unchanged base first): chr1-224434052-T-TCCA. GRCh37 (hg19) VCF-style: chr1-224621754-T-TCCA.
Other names: c.51_53dup, p.Gly25_Gln26insGly (NM_001115113.3, NM_025160.7).
Identifiers: ClinVar variation 2630665 (VCV002630665.1), dbSNP rs1674516812, ClinGen allele CA1012801914.

ClinVar aggregate classification (germline): Uncertain significance (1 of 4 stars; one submission).

Conditions:
WDR26-related disorder. Also called: WDR26-related condition.

Submission:

PreventionGenetics, part of Exact Sciences
Classification: Uncertain significance for WDR26-related condition. Last evaluated: 2023-08-27. Review status: criteria provided, single submitter. Criteria: ACMG Guidelines, 2015. Collection method: clinical testing. Allele origin: germline.
Comment: The WDR26 c.51_53dupTGG variant is predicted to result in an in-frame duplication (p.Gly25dup). To our knowledge, this variant has not been reported in the literature or in a large population database, indicating this variant is rare. At this time, the clinical significance of this variant is uncertain due to the absence of conclusive functional and genetic evidence.